The following is an entry in ClinVar:

ClinVar aggregate classification (germline): Uncertain significance (1 of 4 stars; one submission).

Submission:

GeneDx
Classification: Uncertain significance. Last evaluated: 2022-10-25. Review status: criteria provided, single submitter. Criteria: GeneDx Variant Classification Process June 2021. Collection method: clinical testing. Allele origin: germline. Affected: yes.
Comment: Not observed at significant frequency in large population cohorts (gnomAD); In silico analysis supports that this missense variant has a deleterious effect on protein structure/function; Has not been previously published as pathogenic or benign to our knowledge

NM_004519.4(KCNQ3):c.1016T>C (p.Ile339Thr)

Gene: KCNQ3 (potassium voltage-gated channel subfamily Q member 3; minus strand). Cytogenetic location: 8q24.22.
Variant type: single nucleotide variant.
Coding change: c.1016T>C on transcript NM_004519.4 (MANE Select); coding-DNA position 1016, T replaced by C.
Protein change: p.Ile339Thr; replaces isoleucine 339 with threonine.
Molecular consequence: missense variant.
Genome position (GRCh38, 1-based): chr8:132,174,267, A>G on the plus strand (T>C on the coding strand, the complement: KCNQ3 is on the minus strand). VCF-style: chr8-132174267-A-G. GRCh37 (hg19) VCF-style: chr8-133186514-A-G.
Other names: c.656T>C, p.Ile219Thr (NM_001204824.2); short protein forms I219T, I339T.
Identifiers: ClinVar variation 2500425 (VCV002500425.1), dbSNP rs1826475392, ClinGen allele CA372290099.